The following is an entry in ClinVar:

ClinVar aggregate classification (germline): Uncertain significance (1 of 4 stars; one submission).

Conditions:
Neurodevelopmental disorder with hypotonia, brain anomalies, distinctive facies, and absent language. Also called: ReNU SYNDROME; RNU4-2-Related Neurodevelopmental Disorder; RNU4-2–Related Autosomal Dominant Neurodevelopmental Disorder. Identifiers: Orphanet 686488, MedGen C5935628, MONDO:0971172, OMIM 620851.

Submission:

Centre for Population Genomics, CPG
Classification: Uncertain significance for RNU4-2-Related Neurodevelopmental Disorder. Last evaluated: 2026-02-11. Review status: criteria provided, single submitter. Criteria: Ellingford et al. (Genome Med. 2022). Collection method: research. Allele origin: germline. Inheritance: Autosomal recessive inheritance. Affected: yes. Observed: 1 variant allele, 1 compound heterozygote.
Comment: PM2_supp,PM1

NR_003137.3(RNU4-2):n.41C>T

Genes: RNU4-2 (RNA, U4 small nuclear 2; minus strand), SIRT4 (sirtuin 4; plus strand). Cytogenetic location: 12q24.23.
Variant type: single nucleotide variant.
Molecular consequence: non-coding transcript variant (on NR_003137.3).
Genome position: GRCh38 VCF-style: chr12-120291863-G-A. GRCh37 (hg19) VCF-style: chr12-120729666-G-A.
Identifiers: ClinVar variation 4795817 (VCV004795817.1).